The following is an entry in ClinVar:

NM_001035.3(RYR2):c.8513A>G (p.His2838Arg)

Gene: RYR2 (ryanodine receptor 2; plus strand). Cytogenetic location: 1q43.
Variant type: single nucleotide variant.
Coding change: c.8513A>G on transcript NM_001035.3 (MANE Select); coding-DNA position 8513, A replaced by G.
Protein change: p.His2838Arg; replaces histidine 2838 with arginine.
Molecular consequence: missense variant.
Genome position (GRCh38, 1-based): chr1:237,666,588, A>G. VCF-style: chr1-237666588-A-G. GRCh37 (hg19) VCF-style: chr1-237829888-A-G.
Other names: short protein forms H2838R.
Identifiers: ClinVar variation 3385796 (VCV003385796.1).

ClinVar aggregate classification (germline): Uncertain significance (1 of 4 stars; one submission).

Conditions:
Catecholaminergic polymorphic ventricular tachycardia (CVPT). Also called: Catecholamine-induced polymorphic ventricular tachycardia. Identifiers: Orphanet 3286, MedGen C5574922, MONDO:0017990.

gnomAD v4.1: 1 of 1,609,758 alleles (0.000062%); highest among the groups gnomAD compares: Non-Finnish European, 0.000085%; no homozygotes.

Submission:

All of Us Research Program, National Institutes of Health
Classification: Uncertain significance for Catecholaminergic polymorphic ventricular tachycardia. Last evaluated: 2024-05-30. Review status: criteria provided, single submitter. Criteria: ACMG Guidelines, 2015. Collection method: clinical testing. Allele origin: germline. Inheritance: Autosomal dominant inheritance. Observed: 1 variant allele, 1 heterozygote.
Comment: This missense variant replaces histidine with arginine at codon 2838 of the RYR2 protein. Computational prediction is inconclusive regarding the impact of this variant on protein structure and function (internally defined REVEL score threshold 0.5 < inconclusive < 0.7, PMID: 27666373). To our knowledge, functional studies have not been reported for this variant. This variant has not been reported in individuals affected with RYR2-related disorders in the literature. This variant has been identified in 1/243852 chromosomes in the general population by the Genome Aggregation Database (gnomAD). The available evidence is insufficient to determine the role of this variant in disease conclusively. Therefore, this variant is classified as a Variant of Uncertain Significance.

This study involves interpretation of variants in research participants for the purpose of population health screening. Participant phenotype was not available at the time of variant classification. Additional details can be found in publication PMID: 35346344, PMCID: PMC8962531